The following is an entry in ClinVar:

ClinVar aggregate classification (germline): Conflicting classifications of pathogenicity. Review status: criteria provided, conflicting classifications (1 of 4 stars). 3 submissions from 3 submitters: Uncertain significance (1); Benign (1); Likely benign (1). Last evaluated 2026-01-28.

Conditions:
ALG12-congenital disorder of glycosylation (CDG1G). Also called: CDG Ig; Congenital disorder of glycosylation, type Ig; ALG12-CDG. Identifiers: Orphanet 79324, MedGen C2931001, MONDO:0011783, OMIM 607143.

Allele frequency attached by ClinVar (database versions not stated): gnomAD exomes 0.00058; ExAC 0.00093; gnomAD 0.00199 and 0.00212; 1000 Genomes Project 30x 0.00219; 1000 Genomes Project 0.00220; ESP Exome Variant Server 0.00239; TOPMed 0.00240.
gnomAD v4.1: 637 of 1,612,216 alleles (0.04%); highest among the groups gnomAD compares: African/African-American, 0.71%; 4 homozygotes.

Submissions (3):

Labcorp Genetics (formerly Invitae), Labcorp
Classification: Benign for ALG12-congenital disorder of glycosylation. Last evaluated: 2026-01-28. Review status: criteria provided, single submitter. Criteria: Invitae Variant Classification Sherloc (09022015). Collection method: clinical testing. Allele origin: germline.

Women's Health and Genetics/Laboratory Corporation of America, LabCorp
Classification: Likely benign. Last evaluated: 2024-06-11. Review status: criteria provided, single submitter. Criteria: LabCorp Variant Classification Summary - May 2015. Collection method: clinical testing. Allele origin: germline.
Comment: Variant summary: ALG12 c.501C>T alters a non-conserved nucleotide resulting in a synonymous change. Consensus agreement among computation tools predict no significant impact on normal splicing. However, these predictions have yet to be confirmed by functional studies. The variant allele was found at a frequency of 0.00058 in 244784 control chromosomes. This frequency is not significantly higher than estimated for a pathogenic variant in ALG12 causing ALG12-Congenital Disorder Of Glycosylation, allowing no conclusion about variant significance. To our knowledge, no occurrence of c.501C>T in individuals affected with ALG12-Congenital Disorder Of Glycosylation and no experimental evidence demonstrating its impact on protein function have been reported. ClinVar contains an entry for this variant (Variation ID: 342051). Based on the evidence outlined above, the variant was classified as likely benign.

Illumina Laboratory Services, Illumina
Classification: Uncertain significance for ALG12-congenital disorder of glycosylation. Last evaluated: 2018-01-13. Review status: criteria provided, single submitter. Criteria: ICSL Variant Classification Criteria 13 December 2019. Collection method: clinical testing. Allele origin: germline.

NM_024105.4(ALG12):c.501C>T (p.His167=)

Gene: ALG12 (ALG12 alpha-1,6-mannosyltransferase; minus strand). Cytogenetic location: 22q13.33.
Variant type: single nucleotide variant.
Coding change: c.501C>T on transcript NM_024105.4 (MANE Select); coding-DNA position 501, C replaced by T.
Protein change: p.His167=; no amino-acid change (histidine 167 retained).
Molecular consequence: synonymous variant.
Genome position (GRCh38, 1-based): chr22:49,910,057, G>A on the plus strand (C>T on the coding strand, the complement: ALG12 is on the minus strand). VCF-style: chr22-49910057-G-A. GRCh37 (hg19) VCF-style: chr22-50303705-G-A.
Identifiers: ClinVar variation 342051 (VCV000342051.16), dbSNP rs149845730, ClinGen allele CA10300569.
Genomic context (GRCh38, chr22:49,910,057, plus strand): 5'-CAGCTCCACCCTGAACACGATGATGGCGAAGGCTGACAGCCAGATGAAGCGGGCCCACTC[G>A]TGCCGCAGCCAGGCCGCGAGGGCCAGCAGGACTGCAAGACAGTGCGGGAGGGTGCTCGTC-3'
Protein context (NP_077010.1, residues 157-177): VLLALAAWLR[His167=]EWARFIWLSA